The following is an entry in ClinVar:

ClinVar aggregate classification (germline): Likely benign. Review status: criteria provided, multiple submitters, no conflicts (2 of 4 stars). 2 submissions from 2 submitters: Likely benign (2). Last evaluated 2025-06-04.

Allele frequency attached by ClinVar (database versions not stated): ExAC 0.00001; gnomAD 0.00001; gnomAD exomes 0.00001; TOPMed 0.00001.
gnomAD v4.1: 9 of 1,611,886 alleles (0.00056%); highest among the groups gnomAD compares: Non-Finnish European, 0.00076%; no homozygotes.

Submissions (2):

Mayo Clinic Laboratories, Mayo Clinic
Classification: Likely benign. Last evaluated: 2025-06-04. Review status: criteria provided, single submitter. Criteria: ACMG Guidelines, 2015. Collection method: clinical testing. Allele origin: germline. Observed: 1 variant allele.
Comment: BP4, BP7

Labcorp Genetics (formerly Invitae), Labcorp
Classification: Likely benign. Last evaluated: 2023-04-22. Review status: criteria provided, single submitter. Criteria: Invitae Variant Classification Sherloc (09022015). Collection method: clinical testing. Allele origin: germline.

NM_001510.4(GRID2):c.2313A>G (p.Gly771=)

Gene: GRID2 (glutamate ionotropic receptor delta type subunit 2; plus strand). Cytogenetic location: 4q22.2.
Variant type: single nucleotide variant.
Coding change: c.2313A>G on transcript NM_001510.4 (MANE Select); coding-DNA position 2313, A replaced by G.
Protein change: p.Gly771=; no amino-acid change (glycine 771 retained).
Molecular consequence: synonymous variant.
Genome position (GRCh38, 1-based): chr4:93,626,388, A>G. VCF-style: chr4-93626388-A-G. GRCh37 (hg19) VCF-style: chr4-94547539-A-G.
Other names: p.Gly771=; c.2028A>G, p.Gly676= (NM_001286838.1).
Identifiers: ClinVar variation 758855 (VCV000758855.7), dbSNP rs747301275, ClinGen allele CA3012510.